The following is an entry in ClinVar:

ClinVar aggregate classification (germline): Likely benign (1 of 4 stars; one submission).

gnomAD v4.1: 1 of 1,613,876 alleles (0.000062%); highest among the groups gnomAD compares: Non-Finnish European, 0.000085%; no homozygotes.

Submission:

CeGaT Center for Human Genetics Tuebingen
Classification: Likely benign. Last evaluated: 2026-09-01. Review status: criteria provided, single submitter. Criteria: CeGaT Center For Human Genetics Tuebingen Variant Classification Criteria Version 2. Collection method: clinical testing. Allele origin: germline. Affected: yes. Observed: 1 variant allele.
Comment: CAPRIN1: BP4, BP7

NM_005898.5(CAPRIN1):c.1164C>T (p.Ala388=)

Gene: CAPRIN1 (cell cycle associated protein 1; plus strand). Cytogenetic location: 11p13.
Variant type: single nucleotide variant.
Coding change: c.1164C>T on transcript NM_005898.5 (MANE Select); coding-DNA position 1164, C replaced by T.
Protein change: p.Ala388=; no amino-acid change (alanine 388 retained).
Molecular consequence: synonymous variant.
Genome position (GRCh38, 1-based): chr11:34,086,346, C>T. VCF-style: chr11-34086346-C-T. GRCh37 (hg19) VCF-style: chr11-34107893-C-T.
Other names: c.1164C>T, p.Ala388= (NM_203364.3).
Identifiers: ClinVar variation 5041777 (VCV005041777.1).